The following is an entry in ClinVar:

ClinVar aggregate classification (germline): Pathogenic. Review status: criteria provided, multiple submitters, no conflicts (2 of 4 stars). 2 submissions from 2 submitters: Pathogenic (2). Last evaluated 2026-04-18.

Conditions:
Cornelia de Lange syndrome 1 (CDLS1). Also called: TYPUS DEGENERATIVUS AMSTELODAMENSIS; Brachmann de Lange syndrome; NIPBL-Related Cornelia de Lange Syndrome. Identifiers: Orphanet 199, MedGen C4551851, MONDO:0007387, OMIM 122470.

Submissions (2):

GeneDx
Classification: Pathogenic. Last evaluated: 2026-04-18. Review status: criteria provided, single submitter. Criteria: GeneDx Variant Classification Process June 2021. Collection method: clinical testing. Allele origin: germline.
Comment: Frameshift variant predicted to result in protein truncation or nonsense mediated decay in a gene for which loss of function is a known mechanism of disease; Not observed at significant frequency in large population cohorts (gnomAD); This variant is associated with the following publications: (PMID: 24038889, 37377026, 20824775)

Genetic Services Laboratory, University of Chicago
Classification: Pathogenic for Cornelia de Lange syndrome 1. Last evaluated: 2013-02-08. Review status: criteria provided, single submitter. Criteria: ACMG Guidelines, 2007. Collection method: clinical testing. Allele origin: germline. Inheritance: Autosomal dominant inheritance. Affected: yes.

NM_133433.4(NIPBL):c.1445_1448del (p.Arg482fs)

Gene: NIPBL (NIPBL cohesin loading factor; plus strand). Cytogenetic location: 5p13.2.
Variant type: Microsatellite.
Coding change: c.1445_1448del on transcript NM_133433.4 (MANE Select); coding-DNA positions 1445 to 1448, 4 bases deleted (GAGA; older notation c.1445_1448delGAGA).
Protein change: p.Arg482fs; shifts the reading frame from arginine 482.
Molecular consequence: frameshift variant.
Genome position (GRCh38, 1-based): chr5:36,976,352-36,976,355, GAGA deleted; deleting any 4 consecutive bases within chr5:36,976,347-36,976,355 gives the same sequence; the c. name uses the placement nearest the transcript's 3' end. VCF-style (leftmost placement, unchanged base first): chr5-36976346-TAGAG-T. GRCh37 (hg19) VCF-style: chr5-36976448-TAGAG-T.
Other names: c.1445_1448del, p.Arg482fs (NM_015384.5); short protein forms R482fs.
Identifiers: ClinVar variation 99921 (VCV000099921.7), dbSNP rs80358382, ClinGen allele CA267525.